The following is an entry in ClinVar:

ClinVar aggregate classification (germline): Uncertain significance (1 of 4 stars; one submission).

Allele frequency attached by ClinVar (database versions not stated): gnomAD exomes 0.00001 and 0.00004; ExAC 0.00003; TOPMed 0.00011; gnomAD 0.00012 and 0.00013; ESP Exome Variant Server 0.00038; 1000 Genomes Project 30x 0.00042.
gnomAD v4.1: 27 of 1,207,765 alleles (0.0022%); highest among the groups gnomAD compares: African/African-American, 0.042%; no homozygotes.

Submission:

Labcorp Genetics (formerly Invitae), Labcorp
Classification: Uncertain significance. Last evaluated: 2023-11-13. Review status: criteria provided, single submitter. Criteria: Invitae Variant Classification Sherloc (09022015). Collection method: clinical testing. Allele origin: germline.
Comment: This sequence change replaces glutamine, which is neutral and polar, with glutamic acid, which is acidic and polar, at codon 31 of the SMPX protein (p.Gln31Glu). The frequency data for this variant in the population databases is considered unreliable, as metrics indicate poor data quality at this position in the gnomAD database. This variant has not been reported in the literature in individuals affected with SMPX-related conditions. ClinVar contains an entry for this variant (Variation ID: 1388467). An algorithm developed to predict the effect of missense changes on protein structure and function (PolyPhen-2) suggests that this variant is likely to be disruptive. In summary, the available evidence is currently insufficient to determine the role of this variant in disease. Therefore, it has been classified as a Variant of Uncertain Significance.

NM_014332.3(SMPX):c.91C>G (p.Gln31Glu)

Gene: SMPX (small muscle protein X-linked; minus strand). Cytogenetic location: Xp22.12.
Variant type: single nucleotide variant.
Coding change: c.91C>G on transcript NM_014332.3 (MANE Select); coding-DNA position 91, C replaced by G.
Protein change: p.Gln31Glu; replaces glutamine 31 with glutamic acid.
Molecular consequence: missense variant. On other transcripts: non-coding transcript variant (1).
Genome position (GRCh38, 1-based): chrX:21,743,791, G>C on the plus strand (C>G on the coding strand, the complement: SMPX is on the minus strand). VCF-style: chrX-21743791-G-C. GRCh37 (hg19) VCF-style: chrX-21761909-G-C.
Other names: short protein forms Q31E.
Identifiers: ClinVar variation 1388467 (VCV001388467.6), dbSNP rs150700337, ClinGen allele CA10367233.
Genomic context (GRCh38, chrX:21,743,791, plus strand): 5'-AGAGCTGAGTTTTCCTCACCTCCTCCACTTCAGGAGTACATTCTTTTCTTCTGGGGGGTT[G>C]ACCTGCTCCTGGCCGAAAGGCTCCCATTGGAATATTGATATTTGCCTAAAAGAGAAAACA-3'
Protein context (NP_055147.1, residues 21-41): PMGAFRPGAG[Gln31Glu]PPRRKECTPE